The following is an entry in ClinVar:

NM_000059.4(BRCA2):c.9234_9236del (p.Val3079del)

Gene: BRCA2 (BRCA2 DNA repair associated; plus strand). Cytogenetic location: 13q13.1.
Variant type: Deletion.
Coding change: c.9234_9236del on transcript NM_000059.4 (MANE Select); coding-DNA positions 9234 to 9236, 3 bases deleted (CGT; older notation c.9234_9236delCGT).
Protein change: p.Val3079del; deletes valine 3079.
Molecular consequence: inframe deletion.
Genome position (GRCh38, 1-based): chr13:32,380,123-32,380,125, CGT deleted; deleting any 3 consecutive bases within chr13:32,380,121-32,380,125 gives the same sequence; the c. name uses the placement nearest the transcript's 3' end. VCF-style (leftmost placement, unchanged base first): chr13-32380120-TGTC-T. GRCh37 (hg19) VCF-style: chr13-32954257-TGTC-T.
Other names: short protein forms V3079del.
Identifiers: ClinVar variation 936370 (VCV000936370.10), dbSNP rs2072914610, ClinGen allele CA1139663171.

ClinVar aggregate classification (germline): Uncertain significance (1 of 4 stars; one submission).

Conditions:
Hereditary breast ovarian cancer syndrome. Also called: BRCA1- and BRCA2-Associated Hereditary Breast and Ovarian Cancer; Hereditary breast and/or ovarian cancer syndrome; Hereditary breast and ovarian cancer syndrome; Hereditary breast and ovarian cancer; Breast and ovarian cancer; Hereditary breast and ovarian cancer syndrome (HBOC). Identifiers: Orphanet 145, MedGen C0677776, MeSH D061325, MONDO:0003582. Disease mechanism: loss of function.

Submission:

Labcorp Genetics (formerly Invitae), Labcorp
Classification: Uncertain significance for Hereditary breast ovarian cancer syndrome. Last evaluated: 2019-10-08. Review status: criteria provided, single submitter. Criteria: Invitae Variant Classification Sherloc (09022015). Collection method: clinical testing. Allele origin: germline.
Comment: This variant, c.9234_9236del, results in the deletion of 1 amino acid(s) of the BRCA2 protein (p.Val3079del), but otherwise preserves the integrity of the reading frame. This variant is not present in population databases (ExAC no frequency). This variant has not been reported in the literature in individuals with BRCA2-related conditions. Experimental studies and prediction algorithms are not available or were not evaluated, and the functional significance of this variant is currently unknown. In summary, the available evidence is currently insufficient to determine the role of this variant in disease. Therefore, it has been classified as a Variant of Uncertain Significance.